The following is an entry in ClinVar:

NM_002907.4(RECQL):c.820T>G (p.Cys274Gly)

Gene: RECQL (RecQ like helicase; minus strand). Cytogenetic location: 12p12.1.
Variant type: single nucleotide variant.
Coding change: c.820T>G on transcript NM_002907.4 (MANE Select); coding-DNA position 820, T replaced by G.
Protein change: p.Cys274Gly; replaces cysteine 274 with glycine.
Molecular consequence: missense variant.
Genome position (GRCh38, 1-based): chr12:21,477,850, A>C on the plus strand (T>G on the coding strand, the complement: RECQL is on the minus strand). VCF-style: chr12-21477850-A-C. GRCh37 (hg19) VCF-style: chr12-21630784-A-C.
Other names: c.820T>G, p.Cys274Gly (NM_032941.3); short protein forms C274G.
Identifiers: ClinVar variation 1762476 (VCV001762476.4), dbSNP rs2540356099, ClinGen allele CA384124269.

ClinVar aggregate classification (germline): Uncertain significance (1 of 4 stars; one submission).

Allele frequency attached by ClinVar (database versions not stated): gnomAD exomes below 0.00001.

Submission:

Ambry Genetics
Classification: Uncertain significance. Last evaluated: 2025-11-24. Review status: criteria provided, single submitter. Criteria: Ambry Variant Classification Scheme 2023. Collection method: clinical testing. Allele origin: germline.
Comment: The p.C274G variant (also known as c.820T>G), located in coding exon 6 of the RECQL gene, results from a T to G substitution at nucleotide position 820. The cysteine at codon 274 is replaced by glycine, an amino acid with highly dissimilar properties. This amino acid position is not well conserved in available vertebrate species. In addition, this alteration is predicted to be tolerated by in silico analysis. Since supporting evidence is limited at this time, the clinical significance of this alteration remains unclear.